The following is an entry in ClinVar:

ClinVar aggregate classification (germline): Uncertain significance (1 of 4 stars; one submission).

Conditions:
Neuronal ceroid lipofuscinosis 15. Also called: Neurodegeneration, childhood-onset, hypotonia, respiratory insufficiency and brain imaging abnormalities; Neurodegeneration, childhood-onset, with hypotonia, respiratory insufficiency, and brain imaging abnormalities. Identifiers: Orphanet 610573, MedGen C5543020, MONDO:0030947, OMIM 619173.

Allele frequency attached by ClinVar (database versions not stated): gnomAD exomes below 0.00001; TOPMed below 0.00001; gnomAD 0.00001.

Submission:

MGZ Medical Genetics Center
Classification: Uncertain significance for Neuronal ceroid lipofuscinosis 15. Last evaluated: 2022-06-10. Review status: criteria provided, single submitter. Criteria: ACMG Guidelines, 2015. Collection method: clinical testing. Allele origin: germline. Affected: yes. Observed: 1 variant allele.
Comment: ACMG criteria applied: PM2_SUP, PP3

NM_001286.5(CLCN6):c.1534G>A (p.Gly512Arg)

Gene: CLCN6 (Cl-/H+ antiporter 6; plus strand). Cytogenetic location: 1p36.22.
Variant type: single nucleotide variant.
Coding change: c.1534G>A on transcript NM_001286.5 (MANE Select); coding-DNA position 1534, G replaced by A.
Protein change: p.Gly512Arg; replaces glycine 512 with arginine.
Molecular consequence: missense variant. On other transcripts: non-coding transcript variant (1).
Genome position (GRCh38, 1-based): chr1:11,834,243, G>A. VCF-style: chr1-11834243-G-A. GRCh37 (hg19) VCF-style: chr1-11894300-G-A.
Other names: c.1468G>A, p.Gly490Arg (NM_001256959.2); short protein forms G490R, G512R.
Identifiers: ClinVar variation 1709114 (VCV001709114.2), dbSNP rs1427375048, ClinGen allele CA338435697.